The following continues an entry in ClinVar:

NM_000059.4(BRCA2):c.9699_9702del (p.Cys3233fs)

Gene: BRCA2. ClinVar aggregate classification (germline): Likely pathogenic. Likely pathogenic (1).

Submissions 20 to 34 of 34:

GeneDx
Classification: Pathogenic. Last evaluated: 2022-06-03. Review status: criteria provided, single submitter. Criteria: GeneDx Variant Classification Process June 2021. Collection method: clinical testing. Allele origin: germline. Not counted in ClinVar's aggregate classification.
Comment: Observed in individuals with a personal and/or family history of breast and/or ovarian cancer (PMID: 16683254, 24549055, 25863477, 29161300, 27276934, 28637432, 29997359); Observed in individuals who also carried a missense likely pathogenic variant with an atypical FA presentation, or in the absence of Fanconi anemia (PMID: 25639900, 30865813); Published functional studies demonstrate a damaging effect: defective irradiation-induced RAD51 foci formation and protection of replication fork stability, and reduced protein expression and ability to rescue embryonic stem cells (PMID: 33293522); Frameshift variant predicted to result in protein truncation with loss of the nuclear localization signals and part of the RAD51 binding domain (PMID: 10733923, 9126738); Truncating variants in this gene are considered pathogenic by a well-established clinical consortium and/or database; A logistic regression model based only on personal and family history of cancer predicted this variant not to be pathogenic, but the authors note that all available clinical data should be used for a final classification (PMID: 31853058); Also known as 9927_9930delTATG or 9927del4; This variant is associated with the following publications: (PMID: 16683254, 24549055, 36732629, 36721989, 34887416, 27276934, 29084914, 29339979, 40578183, 34413315, 31753525, 29922827, 28888541, 27352968, 28637432, 25863477, 29161300, 29753700, 29907814, 29997359, 29875428, 22711857, 21952622, 21568838, 18042939, 17416853, 16825431, 17026620, 16141007, 15796958, 15197194, 12677558, 9497246, 30720243, 30630528, 30716324, 29446198, 26633542, 32393813, 30264118, 32099950, 30865813, 25639900, 32853339, 33087929, 32719484, 35022142, 33804961, 25741868, 10733923, 9126738, 31853058, 33293522, 39778127, 41172994)

St. Jude Molecular Pathology, St. Jude Children's Research Hospital
Classification: Pathogenic for Breast-ovarian cancer, familial, susceptibility to, 2. Last evaluated: 2022-03-10. Review status: criteria provided, single submitter. Criteria: St. Jude Assertion Criteria 2020. Collection method: clinical testing. Allele origin: germline. Not counted in ClinVar's aggregate classification.

MGZ Medical Genetics Center
Classification: Likely pathogenic for Breast-ovarian cancer, familial, susceptibility to, 2. Last evaluated: 2021-08-19. Review status: criteria provided, single submitter. Criteria: ACMG Guidelines, 2015. Collection method: clinical testing. Allele origin: germline. Affected: yes. Observed: 1 variant allele. Not counted in ClinVar's aggregate classification.
Comment: ACMG criteria applied: PVS1, PM2_SUP

Clinical Genetics and Genomics, Karolinska University Hospital
Classification: Pathogenic. Last evaluated: 2019-03-12. Review status: criteria provided, single submitter. Criteria: ACMG Guidelines, 2015. Collection method: clinical testing. Allele origin: germline. Affected: yes. Observed: 2 variant alleles. Not counted in ClinVar's aggregate classification.

Institute of Human Genetics, University of Leipzig Medical Center
Classification: Likely pathogenic for Familial cancer of breast. Last evaluated: 2019-01-01. Review status: criteria provided, single submitter. Criteria: ACMG Guidelines, 2015. Collection method: clinical testing. Allele origin: unknown. Affected: yes. Not counted in ClinVar's aggregate classification.

Department of Medical Genetics, Oslo University Hospital
Classification: Likely pathogenic for Breast-ovarian cancer, familial, susceptibility to, 2. Last evaluated: 2017-01-02. Review status: criteria provided, single submitter. Criteria: ACMG Guidelines, 2015. Collection method: clinical testing. Allele origin: germline. Affected: yes. Observed: 12 variant alleles. Not counted in ClinVar's aggregate classification.

Fulgent Genetics
Classification: Pathogenic for Breast-ovarian cancer, familial, susceptibility to, 2. Last evaluated: 2016-01-13. Review status: criteria provided, single submitter. Criteria: ACMG Guidelines, 2015. Collection method: clinical testing. Allele origin: unknown. Not counted in ClinVar's aggregate classification.

Consortium of Investigators of Modifiers of BRCA1/2 (CIMBA), c/o University of Cambridge
Classification: Pathogenic for Breast-ovarian cancer, familial, susceptibility to, 2. Last evaluated: 2015-10-02. Review status: criteria provided, single submitter. Criteria: CIMBA Mutation Classification guidelines May 2016. Collection method: clinical testing. Allele origin: germline. Not counted in ClinVar's aggregate classification.

BRCAlab, Lund University
Classification: Pathogenic for Breast-ovarian cancer, familial, susceptibility to, 2. Last evaluated: 2020-03-02. Review status: no assertion criteria provided. Collection method: clinical testing. Allele origin: germline. Affected: yes. Not counted in ClinVar's aggregate classification.

Center for Reproductive Medicine, Shandong Provincial Hospital Affiliated to Shandong University
Classification: Pathogenic for Genetic non-acquired premature ovarian failure. Last evaluated: 2018-10-01. Review status: no assertion criteria provided. Collection method: literature only. Allele origin: unknown. Affected: yes. Observed: 1 variant allele. Not counted in ClinVar's aggregate classification.

Counsyl
Classification: Likely pathogenic for Breast-ovarian cancer, familial 2. Last evaluated: 2014-07-29. Review status: no assertion criteria provided. Collection method: literature only. Allele origin: unknown. Inheritance: Autosomal dominant inheritance. Not counted in ClinVar's aggregate classification.

Research Molecular Genetics Laboratory, Women's College Hospital, University of Toronto
Classification: Pathogenic for Hereditary breast ovarian cancer syndrome. Last evaluated: 2014-01-31. Review status: no assertion criteria provided. Collection method: research. Allele origin: germline. Affected: yes. Study: The Canadian Open Genetics Repository (COGR). Not counted in ClinVar's aggregate classification.

Sharing Clinical Reports Project (SCRP)
Classification: Likely pathogenic for Breast-ovarian cancer, familial 2. Last evaluated: 2012-07-30. Review status: no assertion criteria provided. Collection method: clinical testing. Allele origin: germline. Not counted in ClinVar's aggregate classification.

Breast Cancer Information Core (BIC) (BRCA2)
Classification: Pathogenic for Breast-ovarian cancer, familial 2. Last evaluated: 2002-05-29. Review status: no assertion criteria provided. Collection method: clinical testing. Allele origin: germline. Affected: yes. Observed: 3 variant alleles. Not counted in ClinVar's aggregate classification.

Department of Pathology and Laboratory Medicine, Sinai Health System
Classification: Uncertain significance for Malignant tumor of breast. Review status: no assertion criteria provided. Collection method: clinical testing. Allele origin: unknown. Affected: yes. Study: The Canadian Open Genetics Repository (COGR). Not counted in ClinVar's aggregate classification.
Comment: BRCA2, Exon 27, c.9699_9702delTATG, p.Cys3233TrpfsX15, Heterozygous, Uncertain Significance The BRCA2 p.Cys3233TrpfsX15 variant was identified in 1 of 862 proband chromosomes (frequency: 0.001) from individuals or families with hereditary breast and ovarian cancer (HBOC), and this study classifies this variant as deleterious (van der Hout 2006). The variant was also identified in dbSNP (ID: rs80359775) â€šÃ„ÃºWith pathogenic alleleâ€šÃ„Ã¹, Clinvitae database, ARUP Laboratories BRCA Mutations Database (as definitely pathogenic), the ClinVar database with conflicting classifications (pathogenic by Ambry Genetics and BIC, likely pathogenic by Counsyl and SCRP, and uncertain significance by GeneDX), and the BIC database (3X with clinical importance). In UMD the variant was classified as a causal variant, but it was also identified with a co-occurring pathogenic BRCA1 variant (p.Gln1327X), increasing the likelihood that the p.Cys3233TrpfsX15 variant does not have clinical significance. This variant was also identified in the Exome Aggregation Consortium (ExAC) database (released Jan 13, 2015) in 9 of 11534 chromosomes (frequency: 0.00078) from a population of Latino individuals, as well as at a much lower frequency in European (Non-Finnish) individuals, although this low number of observations and low frequency is not substantive enough to determine the prevalence of the variant in the general population and its relationship to disease. Myriad published a case study on the pathogenicity of this variant (Rosenthal 2015). Although this variant is near the 3â€šÃ„â‰¤ end of the BRCA2 gene, there are known pathogenic variants downstream of this position, i.e. c.9924C>G (p.Tyr3308X), therefore this variant is expected to cause HBOC and would typically be classified as pathogenic. However, the Myriad study reports observations of the variant in trans with other deleterious BRCA2 variants in two sets of patients with no reported symptoms of Fanconi Anemia, and in two more individuals who also carry a pathogenic variant in BRCA2. The study further reports that they have detected this variant in 67 apparently unrelated individuals undergoing comprehensive analysis of BRCA1 and BRCA2. These observations currently meet the threshold for a benign designation. The study further states that family testing outcomes do not demonstrate consistent segregation of the variant with breast or ovarian cancer, although some contribution of the variant to the familial aggregation of cancer cannot be excluded. Therefore the Myriad study states that BRCA2 c.9699_9702del is currently reported as a â€šÃ„Ã²special interpretation variantâ€šÃ„Ã´. The authors state that there is as yet no compelling hypothetical mechanism as to why BRCA2 c.9699_9702del is not causative of HBOC. They further conclude that it is important to note that the variant is not yet proven to have absolutely no impact on cancer risk, although the available data suggests that the risk falls far short of what is considered to be diagnostic of the associated clinical syndrome. In summary, based on the above information, the clinical significance of this variant cannot be determined with certainty at this time. This variant is classified as a variant of Uncertain significance.

Literature cited by the submitters: PubMed 16683254 (cited by 7 submitters); PubMed 18607349 (cited by Ambry Genetics and Labcorp Genetics (formerly Invitae), Labcorp); PubMed 25639900 (cited by 8 submitters); PubMed 25863477 (cited by 6 submitters); PubMed 29161300 (cited by 8 submitters); PubMed 29084914 (cited by 4 submitters); PubMed 30716324 (cited by 3 submitters); PubMed 29753700 (cited by 5 submitters); PubMed 17026620 (cited by Labcorp Genetics (formerly Invitae), Labcorp); PubMed 18593900 (cited by Labcorp Genetics (formerly Invitae), Labcorp); PubMed 22711857 (cited by Labcorp Genetics (formerly Invitae), Labcorp); PubMed 20301425 (cited by Variantyx, Inc.); PubMed 26183948 (cited by Variantyx, Inc.); PubMed 33293522 (cited by 6 submitters); PubMed 24549055 (cited by 3 submitters); PubMed 25479140 (cited by Color Diagnostics, LLC DBA Color Health); PubMed 28637432 (cited by Color Diagnostics, LLC DBA Color Health); PubMed 28888541 (cited by Color Diagnostics, LLC DBA Color Health); PubMed 29339979 (cited by 4 submitters); PubMed 29875428 (cited by 4 submitters); PubMed 29907814 (cited by Quest Diagnostics Nichols Institute San Juan Capistrano and Women's Health and Genetics/Laboratory Corporation of America, LabCorp); PubMed 30720243 (cited by Quest Diagnostics Nichols Institute San Juan Capistrano); PubMed 32719484 (cited by Quest Diagnostics Nichols Institute San Juan Capistrano); PubMed 32939053 (cited by Quest Diagnostics Nichols Institute San Juan Capistrano and Women's Health and Genetics/Laboratory Corporation of America, LabCorp); PubMed 29922827 (cited by Quest Diagnostics Nichols Institute San Juan Capistrano and Women's Health and Genetics/Laboratory Corporation of America, LabCorp); PubMed 26633542 (cited by Quest Diagnostics Nichols Institute San Juan Capistrano and Women's Health and Genetics/Laboratory Corporation of America, LabCorp); PubMed 33804961 (cited by Quest Diagnostics Nichols Institute San Juan Capistrano); PubMed 32853339 (cited by Quest Diagnostics Nichols Institute San Juan Capistrano); PubMed 36721989 (cited by Quest Diagnostics Nichols Institute San Juan Capistrano); PubMed 33753322 (cited by Quest Diagnostics Nichols Institute San Juan Capistrano); PubMed 32482800 (cited by Quest Diagnostics Nichols Institute San Juan Capistrano); PubMed 27276934 (cited by 3 submitters); PubMed 27352968 (cited by Quest Diagnostics Nichols Institute San Juan Capistrano and Women's Health and Genetics/Laboratory Corporation of America, LabCorp); PubMed 35022142 (cited by Quest Diagnostics Nichols Institute San Juan Capistrano); PubMed 36732629 (cited by Quest Diagnostics Nichols Institute San Juan Capistrano); PubMed 30865812 (cited by Quest Diagnostics Nichols Institute San Juan Capistrano); PubMed 32393813 (cited by Quest Diagnostics Nichols Institute San Juan Capistrano and Women's Health and Genetics/Laboratory Corporation of America, LabCorp); PubMed 31753525 (cited by 3 submitters); PubMed 31658756 (cited by Quest Diagnostics Nichols Institute San Juan Capistrano and Women's Health and Genetics/Laboratory Corporation of America, LabCorp); PubMed 30630528 (cited by Quest Diagnostics Nichols Institute San Juan Capistrano and Women's Health and Genetics/Laboratory Corporation of America, LabCorp); PubMed 29997359 (cited by 3 submitters); PubMed 29446198 (cited by 4 submitters); PubMed 35260348 (cited by Quest Diagnostics Nichols Institute San Juan Capistrano); PubMed 35438911 (cited by Quest Diagnostics Nichols Institute San Juan Capistrano and Women's Health and Genetics/Laboratory Corporation of America, LabCorp); PubMed 39142283 (cited by Johns Hopkins Genomics, Johns Hopkins University); PubMed 39488595 (cited by Johns Hopkins Genomics, Johns Hopkins University).